The following is an entry in ClinVar:

ClinVar aggregate classification (germline): Uncertain significance. Review status: criteria provided, multiple submitters, no conflicts (2 of 4 stars). 2 submissions from 2 submitters: Uncertain significance (2). Last evaluated 2021-12-12.

Conditions:
Hereditary cancer-predisposing syndrome. Also called: Neoplastic Syndromes, Hereditary; Hereditary Cancer Syndrome; Tumor predisposition; Hereditary neoplastic syndrome. Identifiers: Orphanet 140162, MedGen C0027672, MeSH D009386, MONDO:0015356.

Submissions (2):

Ambry Genetics
Classification: Uncertain significance for Hereditary cancer-predisposing syndrome. Last evaluated: 2021-12-12. Review status: criteria provided, single submitter. Criteria: Ambry Variant Classification Scheme 2023. Collection method: clinical testing. Allele origin: germline.
Comment: The p.R520P variant (also known as c.1559G>C), located in coding exon 13 of the MRE11A gene, results from a G to C substitution at nucleotide position 1559. The arginine at codon 520 is replaced by proline, an amino acid with dissimilar properties. This amino acid position is conserved. In addition, the in silico prediction for this alteration is inconclusive. Since supporting evidence is limited at this time, the clinical significance of this alteration remains unclear.

Athena Diagnostics
Classification: Uncertain significance. Last evaluated: 2018-11-16. Review status: criteria provided, single submitter. Criteria: Athena Diagnostics Criteria. Collection method: clinical testing. Allele origin: germline.

NM_005591.4(MRE11):c.1559G>C (p.Arg520Pro)

Gene: MRE11 (MRE11 double strand break repair nuclease; minus strand). Cytogenetic location: 11q21.
Variant type: single nucleotide variant.
Coding change: c.1559G>C on transcript NM_005591.4 (MANE Select); coding-DNA position 1559, G replaced by C.
Protein change: p.Arg520Pro; replaces arginine 520 with proline.
Molecular consequence: missense variant.
Genome position (GRCh38, 1-based): chr11:94,456,280, C>G on the plus strand (G>C on the coding strand, the complement: MRE11 is on the minus strand). VCF-style: chr11-94456280-C-G. GRCh37 (hg19) VCF-style: chr11-94189446-C-G.
Other names: c.1559G>C, p.Arg520Pro (NM_001330347.2, NM_005590.4); short protein forms R520P.
Identifiers: ClinVar variation 805022 (VCV000805022.3), dbSNP rs753148077, ClinGen allele CA382370659.